The following is an entry in ClinVar:

NM_145207.3(AFG2A):c.2483C>G (p.Thr828Ser)

Gene: AFG2A (AFG2 AAA ATPase homolog A; plus strand). Cytogenetic location: 4q28.1.
Variant type: single nucleotide variant.
Coding change: c.2483C>G on transcript NM_145207.3 (MANE Select); coding-DNA position 2483, C replaced by G.
Protein change: p.Thr828Ser; replaces threonine 828 with serine.
Molecular consequence: missense variant.
Genome position (GRCh38, 1-based): chr4:123,256,158, C>G. VCF-style: chr4-123256158-C-G. GRCh37 (hg19) VCF-style: chr4-124177313-C-G.
Other names: c.2480C>G, p.Thr827Ser (NM_001345856.2); short protein forms T827S, T828S.
Identifiers: ClinVar variation 851363 (VCV000851363.5), dbSNP rs374330092, ClinGen allele CA358230814.

ClinVar aggregate classification (germline): Uncertain significance (1 of 4 stars; one submission).

Conditions:
Microcephaly-intellectual disability-sensorineural hearing loss-epilepsy-abnormal muscle tone syndrome (NEDHSB). Also called: NEURODEVELOPMENTAL DISORDER WITH HEARING LOSS, SEIZURES, AND BRAIN ABNORMALITIES. Identifiers: Orphanet 457351, MedGen C4225276, MONDO:0014698, OMIM 616577.

Submission:

Labcorp Genetics (formerly Invitae), Labcorp
Classification: Uncertain significance for Microcephaly-intellectual disability-sensorineural hearing loss-epilepsy-abnormal muscle tone syndrome. Last evaluated: 2024-12-07. Review status: criteria provided, single submitter. Criteria: Invitae Variant Classification Sherloc (09022015). Collection method: clinical testing. Allele origin: germline.
Comment: This sequence change replaces threonine, which is neutral and polar, with serine, which is neutral and polar, at codon 828 of the SPATA5 protein (p.Thr828Ser). This variant is not present in population databases (gnomAD no frequency). This variant has not been reported in the literature in individuals affected with SPATA5-related conditions. ClinVar contains an entry for this variant (Variation ID: 851363). Invitae Evidence Modeling of protein sequence and biophysical properties (such as structural, functional, and spatial information, amino acid conservation, physicochemical variation, residue mobility, and thermodynamic stability) has been performed for this missense variant. However, the output from this modeling did not meet the statistical confidence thresholds required to predict the impact of this variant on SPATA5 protein function. In summary, the available evidence is currently insufficient to determine the role of this variant in disease. Therefore, it has been classified as a Variant of Uncertain Significance.